The following is an entry in ClinVar:

ClinVar aggregate classification (germline): Pathogenic (1 of 4 stars; one submission).

Conditions:
Polycystic kidney disease, adult type (PKD1). Also called: Polycystic Kidney, Autosomal Dominant; POLYCYSTIC KIDNEY DISEASE 1 WITH OR WITHOUT POLYCYSTIC LIVER DISEASE; POLYCYSTIC KIDNEY DISEASE, ADULT, TYPE I; Polycystic Kidney Disease 1, Autosomal Dominant; Polycystic kidney disease 1; Polycystic kidney disease 1, severe. Identifiers: MedGen C3149841, MONDO:0008263, OMIM 173900.

Submission:

MVZ Medizinische Genetik Mainz
Classification: Pathogenic for Polycystic kidney disease, adult type. Last evaluated: 2024-07-29. Review status: criteria provided, single submitter. Criteria: UK Practice Guidelines For Variant Classification V4 01 2020. Collection method: clinical testing. Allele origin: germline. Inheritance: Autosomal dominant inheritance. Affected: yes. Observed: 1 variant allele.
Comment: ACMG Criteria: PVS1,PM2_SUP,PP4

NM_001009944.3(PKD1):c.9496dup (p.Asp3166fs)

Gene: PKD1 (polycystin 1, transient receptor potential channel interacting; minus strand). Cytogenetic location: 16p13.3.
Variant type: Duplication.
Coding change: c.9496dup on transcript NM_001009944.3 (MANE Select); coding-DNA position 9496, one base duplicated (G; older notation c.9496dupG).
Protein change: p.Asp3166fs; shifts the reading frame from aspartic acid 3166.
Molecular consequence: frameshift variant.
Genome position (GRCh38, 1-based): chr16:2,100,468, C duplicated on the plus strand (G on the coding strand, the reverse complement: PKD1 is on the minus strand); the first of 2 consecutive C bases (chr16:2,100,468-2,100,469); duplicating either gives the same sequence. VCF-style (leftmost placement, unchanged base first): chr16-2100467-T-TC. GRCh37 (hg19) VCF-style: chr16-2150468-T-TC.
Other names: c.9496dup, p.Asp3166fs (NM_000296.4); short protein forms D3166fs.
Identifiers: ClinVar variation 3338379 (VCV003338379.1).